The following is an entry in ClinVar:

ClinVar aggregate classification (germline): Benign (1 of 4 stars; one submission).

Allele frequency attached by ClinVar (database versions not stated): TOPMed 0.48630; gnomAD 0.50610 and 0.51173; 1000 Genomes Project 0.57428; 1000 Genomes Project 30x 0.57495.
gnomAD v4.1: 66,899 of 131,052 alleles (51%); highest among the groups gnomAD compares: African/African-American, 72%; 17,473 homozygotes.

Submission:

GeneDx
Classification: Benign. Last evaluated: 2018-06-18. Review status: criteria provided, single submitter. Criteria: GeneDx Variant Classification (06012015). Collection method: clinical testing. Allele origin: germline. Affected: yes.
Comment: This variant is considered likely benign or benign based on one or more of the following criteria: it is a conservative change, it occurs at a poorly conserved position in the protein, it is predicted to be benign by multiple in silico algorithms, and/or has population frequency not consistent with disease.

NM_006393.3(NEBL):c.2518+275A>G

Gene: NEBL (nebulette; minus strand). Cytogenetic location: 10p12.31.
Variant type: single nucleotide variant.
Coding change: c.2518+275A>G on transcript NM_006393.3 (MANE Select); 275 bases into the intron after coding-DNA position 2518, A replaced by G.
Molecular consequence: intron variant.
Genome position (GRCh38, 1-based): chr10:20,812,494, T>C on the plus strand (A>G on the coding strand, the complement: NEBL is on the minus strand). VCF-style: chr10-20812494-T-C. GRCh37 (hg19) VCF-style: chr10-21101423-T-C.
Other names: c.421+275A>G (NM_001377326.1, NM_001377327.1, NM_001377328.1); c.529+275A>G (NM_213569.2, NM_001173484.2, NM_001377322.1); c.472+275A>G (NM_001377324.1); c.463+275A>G (NM_001377325.1); c.481+275A>G (NM_001377323.1).
Identifiers: ClinVar variation 683676 (VCV000683676.1), dbSNP rs10828136, ClinGen allele CA15641938.